The following is an entry in ClinVar:

NM_024334.3(TMEM43):c.1139C>A (p.Ala380Asp)

Gene: TMEM43 (transmembrane protein 43; plus strand). Cytogenetic location: 3p25.1.
Variant type: single nucleotide variant.
Coding change: c.1139C>A on transcript NM_024334.3 (MANE Select); coding-DNA position 1139, C replaced by A.
Protein change: p.Ala380Asp; replaces alanine 380 with aspartic acid.
Molecular consequence: missense variant.
Genome position (GRCh38, 1-based): chr3:14,141,731, C>A. VCF-style: chr3-14141731-C-A. GRCh37 (hg19) VCF-style: chr3-14183231-C-A.
Other names: c.1142C>A, p.Ala381Asp (NM_001407274.1); c.1136C>A, p.Ala379Asp (NM_001407275.1, NM_001407276.1); c.1133C>A, p.Ala378Asp (NM_001407277.1); c.1124C>A, p.Ala375Asp (NM_001407278.1); c.1064C>A, p.Ala355Asp (NM_001407279.1); c.989C>A, p.Ala330Asp (NM_001407280.1); short protein forms A330D, A381D, A379D, A375D, A355D, A378D, A380D.
Identifiers: ClinVar variation 4615106 (VCV004615106.1).

ClinVar aggregate classification (germline): Uncertain significance (1 of 4 stars; one submission).

Conditions:
Cardiovascular phenotype. Identifiers: MedGen CN230736.

gnomAD v4.1: 3 of 1,614,174 alleles (0.00019%); highest among the groups gnomAD compares: Non-Finnish European, 0.00025%; no homozygotes.

Submission:

Ambry Genetics
Classification: Uncertain significance for Cardiovascular phenotype. Last evaluated: 2025-10-27. Review status: criteria provided, single submitter. Criteria: Ambry Variant Classification Scheme 2023. Collection method: clinical testing. Allele origin: germline.
Comment: The p.A380D variant (also known as c.1139C>A), located in coding exon 12 of the TMEM43 gene, results from a C to A substitution at nucleotide position 1139. The alanine at codon 380 is replaced by aspartic acid, an amino acid with dissimilar properties. This amino acid position is conserved. In addition, this alteration is predicted to be tolerated by in silico analysis. Based on the available evidence, the clinical significance of this variant remains unclear.